The following is an entry in ClinVar:

ClinVar aggregate classification (germline): Likely benign (1 of 4 stars; one submission).

Conditions:
Hereditary diffuse gastric adenocarcinoma (HDGC). Also called: DIFFUSE GASTRIC AND LOBULAR BREAST CANCER SYNDROME. Identifiers: Orphanet 26106, MedGen C1708349, MONDO:0007648, OMIM 137215.

Submission:

Myriad Genetics, Inc.
Classification: Likely benign for Hereditary diffuse gastric adenocarcinoma. Last evaluated: 2024-10-10. Review status: criteria provided, single submitter. Criteria: Myriad Autosomal Dominant, Autosomal Recessive and X-Linked Classification Criteria (2023). Collection method: clinical testing. Allele origin: unknown.
Comment: This variant is considered likely benign. This variant is intronic and is not expected to impact mRNA splicing.

NM_001903.5(CTNNA1):c.858+9T>G

Gene: CTNNA1 (catenin alpha 1; plus strand). Cytogenetic location: 5q31.2.
Variant type: single nucleotide variant.
Coding change: c.858+9T>G on transcript NM_001903.5 (MANE Select); 9 bases into the intron after coding-DNA position 858, T replaced by G.
Molecular consequence: intron variant.
Genome position (GRCh38, 1-based): chr5:138,824,808, T>G. VCF-style: chr5-138824808-T-G. GRCh37 (hg19) VCF-style: chr5-138160497-T-G.
Other names: c.858+9T>G (NM_001323982.2, NM_001323984.2, NM_001290307.3 and 3 more transcripts); c.489+9T>G (NM_001290310.3); c.549+9T>G (NM_001290309.3).
Identifiers: ClinVar variation 3773317 (VCV003773317.1).